The following is an entry in ClinVar:

NM_014270.5(SLC7A9):c.814G>A (p.Val272Met)

Gene: SLC7A9 (solute carrier family 7 member 9; minus strand). Cytogenetic location: 19q13.11.
Variant type: single nucleotide variant.
Coding change: c.814G>A on transcript NM_014270.5 (MANE Select); coding-DNA position 814, G replaced by A.
Protein change: p.Val272Met; replaces valine 272 with methionine.
Molecular consequence: missense variant.
Genome position (GRCh38, 1-based): chr19:32,859,900, C>T on the plus strand (G>A on the coding strand, the complement: SLC7A9 is on the minus strand). VCF-style: chr19-32859900-C-T. GRCh37 (hg19) VCF-style: chr19-33350806-C-T.
Other names: c.814G>A, p.Val272Met (NM_001126335.2, NM_001243036.2); c.814G>A (NM_014270.4); short protein forms V272M.
Identifiers: ClinVar variation 1404534 (VCV001404534.9), dbSNP rs774871326, ClinGen allele CA9358624.

ClinVar aggregate classification (germline): Uncertain significance. Review status: criteria provided, multiple submitters, no conflicts (2 of 4 stars). 3 submissions from 3 submitters: Uncertain significance (3). Last evaluated 2025-06-12.

Conditions:
Cystinuria (CSNU). Also called: CYSTINURIA, TYPE I; CYSTINURIA, TYPE II; CYSTINURIA, TYPE III; Cystinuria, non-type I. Identifiers: Orphanet 214, MedGen C0010691, MONDO:0009067, OMIM 220100, HP:0003131.
SLC7A9-related disorder. Also called: SLC7A9-related condition.

Allele frequency attached by ClinVar (database versions not stated): ExAC 0.00002; gnomAD exomes 0.00002 and 0.00004; TOPMed 0.00017; gnomAD 0.00019 and 0.00021.
gnomAD v4.1: 65 of 1,614,032 alleles (0.004%); highest among the groups gnomAD compares: African/African-American, 0.035%; 1 homozygote.

Submissions (3):

Labcorp Genetics (formerly Invitae), Labcorp
Classification: Uncertain significance. Last evaluated: 2025-06-12. Review status: criteria provided, single submitter. Criteria: Invitae Variant Classification Sherloc (09022015). Collection method: clinical testing. Allele origin: germline.
Comment: This sequence change replaces valine, which is neutral and non-polar, with methionine, which is neutral and non-polar, at codon 272 of the SLC7A9 protein (p.Val272Met). This variant is present in population databases (rs774871326, gnomAD 0.03%). This missense change has been observed in individual(s) with congenital anomalies of the kidney and urinary tract (PMID: 35368817). ClinVar contains an entry for this variant (Variation ID: 1404534). Invitae Evidence Modeling of protein sequence and biophysical properties (such as structural, functional, and spatial information, amino acid conservation, physicochemical variation, residue mobility, and thermodynamic stability) indicates that this missense variant is not expected to disrupt SLC7A9 protein function with a negative predictive value of 80%. In summary, the available evidence is currently insufficient to determine the role of this variant in disease. Therefore, it has been classified as a Variant of Uncertain Significance.

PreventionGenetics, part of Exact Sciences
Classification: Uncertain significance for SLC7A9-related condition. Last evaluated: 2025-04-10. Review status: criteria provided, single submitter. Criteria: ACMG Guidelines, 2015. Collection method: clinical testing. Allele origin: germline.
Comment: The SLC7A9 c.814G>A variant is predicted to result in the amino acid substitution p.Val272Met. This variant was reported as a variant of uncertain significance in an individual with congenital anomalies of kidney and urinary tract and was paternally-inherited (Supp. Table 5, Bekheirnia et al. 2021. PubMed ID: 35368817). This variant is reported in 0.032% of alleles in individuals of African descent in gnomAD. At this time, the clinical significance of this variant is uncertain due to the absence of conclusive functional and genetic evidence.

Fulgent Genetics
Classification: Uncertain significance for Cystinuria. Last evaluated: 2024-05-07. Review status: criteria provided, single submitter. Criteria: ACMG Guidelines, 2015. Collection method: clinical testing. Allele origin: germline.

Literature cited by the submitters: PubMed 35368817 (cited by Labcorp Genetics (formerly Invitae), Labcorp).